The following is an entry in ClinVar:

NM_001429.4(EP300):c.1355A>T (p.Asn452Ile)

Gene: EP300 (EP300 lysine acetyltransferase; plus strand). Cytogenetic location: 22q13.2.
Variant type: single nucleotide variant.
Coding change: c.1355A>T on transcript NM_001429.4 (MANE Select); coding-DNA position 1355, A replaced by T.
Protein change: p.Asn452Ile; replaces asparagine 452 with isoleucine.
Molecular consequence: missense variant.
Genome position (GRCh38, 1-based): chr22:41,131,460, A>T. VCF-style: chr22-41131460-A-T. GRCh37 (hg19) VCF-style: chr22-41527464-A-T.
Other names: c.1355A>T, p.Asn452Ile (NM_001362843.2); short protein forms N452I.
Identifiers: ClinVar variation 3778370 (VCV003778370.7).
Genomic context (GRCh38, chr22:41,131,460, plus strand): 5'-GAGCACCCGTTGGACTTGGAAATCCTAGCTCTCTAGGGGTGGGTCAACAGTCTGCCCCCA[A>T]CCTAAGCACTGTTAGTCAGATTGATCCCAGCTCCATAGAAAGAGCCTATGCAGCTCTTGG-3'
Protein context (NP_001420.2, residues 442-462): SLGVGQQSAP[Asn452Ile]LSTVSQIDPS

ClinVar aggregate classification (germline): Uncertain significance (1 of 4 stars; one submission).

Submission:

CeGaT Center for Human Genetics Tuebingen
Classification: Uncertain significance. Last evaluated: 2025-03-01. Review status: criteria provided, single submitter. Criteria: CeGaT Center For Human Genetics Tuebingen Variant Classification Criteria Version 2. Collection method: clinical testing. Allele origin: germline. Affected: yes. Observed: 1 variant allele.
Comment: EP300: PM2, BP4